The following is an entry in ClinVar:

ClinVar aggregate classification (germline): Uncertain significance. Review status: criteria provided, multiple submitters, no conflicts (2 of 4 stars). 3 submissions from 3 submitters: Uncertain significance (3). Last evaluated 2025-11-17.

Conditions:
Hereditary cancer-predisposing syndrome. Also called: Tumor predisposition; Hereditary neoplastic syndrome; Hereditary Cancer Syndrome; Neoplastic Syndromes, Hereditary. Identifiers: Orphanet 140162, MedGen C0027672, MeSH D009386, MONDO:0015356.
BARD1-related cancer predisposition. Identifiers: MedGen CN377756, MONDO:0700267.
Familial cancer of breast. Also called: BREAST CANCER, FAMILIAL; Hereditary breast cancer; hereditary breast carcinoma. Identifiers: Orphanet 227535, MedGen C0346153, MONDO:0016419, OMIM 114480. Disease mechanism: loss of function.

Submissions (3):

Labcorp Genetics (formerly Invitae), Labcorp
Classification: Uncertain significance for Familial cancer of breast. Last evaluated: 2025-11-17. Review status: criteria provided, single submitter. Criteria: Invitae Variant Classification Sherloc (09022015). Collection method: clinical testing. Allele origin: germline.
Comment: This sequence change replaces serine, which is neutral and polar, with isoleucine, which is neutral and non-polar, at codon 410 of the BARD1 protein (p.Ser410Ile). This variant is not present in population databases (gnomAD no frequency). This variant has not been reported in the literature in individuals affected with BARD1-related conditions. ClinVar contains an entry for this variant (Variation ID: 963999). An algorithm developed to predict the effect of missense changes on protein structure and function (PolyPhen-2) suggests that this variant is likely to be disruptive. In summary, the available evidence is currently insufficient to determine the role of this variant in disease. Therefore, it has been classified as a Variant of Uncertain Significance.

Ambry Genetics
Classification: Uncertain significance for Hereditary cancer-predisposing syndrome. Last evaluated: 2025-10-27. Review status: criteria provided, single submitter. Criteria: Ambry Variant Classification Scheme 2023. Collection method: clinical testing. Allele origin: germline.
Comment: The p.S410I variant (also known as c.1229G>T), located in coding exon 4 of the BARD1 gene, results from a G to T substitution at nucleotide position 1229. The serine at codon 410 is replaced by isoleucine, an amino acid with dissimilar properties. This amino acid position is conserved. In addition, the in silico prediction for this alteration is inconclusive. Since supporting evidence is limited at this time, the clinical significance of this alteration remains unclear.

Department of Pathology and Laboratory Medicine, Sinai Health System
Classification: Uncertain significance for BARD1-related cancer predisposition. Last evaluated: 2022-05-26. Review status: criteria provided, single submitter. Criteria: ACMG Guidelines, 2015. Collection method: clinical testing. Allele origin: germline. Affected: no.

NM_000465.4(BARD1):c.1229G>T (p.Ser410Ile)

Gene: BARD1 (BRCA1 associated RING domain 1; minus strand). Cytogenetic location: 2q35.
Variant type: single nucleotide variant.
Coding change: c.1229G>T on transcript NM_000465.4 (MANE Select); coding-DNA position 1229, G replaced by T.
Protein change: p.Ser410Ile; replaces serine 410 with isoleucine.
Molecular consequence: missense variant. On other transcripts: non-coding transcript variant (2), intron variant (3).
Genome position (GRCh38, 1-based): chr2:214,780,645, C>A on the plus strand (G>T on the coding strand, the complement: BARD1 is on the minus strand). VCF-style: chr2-214780645-C-A. GRCh37 (hg19) VCF-style: chr2-215645369-C-A.
Other names: c.1172G>T, p.Ser391Ile (NM_001282543.2); c.1229G>T (NM_000465.2); c.159-28090G>T (NM_001282548.2); c.215+16416G>T (NM_001282545.2); c.364+11652G>T (NM_001282549.2); short protein forms S391I, S410I.
Identifiers: ClinVar variation 963999 (VCV000963999.14), dbSNP rs1694945264, ClinGen allele CA350453641.